The following is an entry in ClinVar:

ClinVar aggregate classification (germline): Benign/Likely benign. Review status: criteria provided, multiple submitters, no conflicts (2 of 4 stars). 7 submissions from 7 submitters: Benign (4); Likely benign (2). 1 of the submissions does not count toward it. Last evaluated 2026-02-02.

Conditions:
Myopathy, centronuclear, 2 (CNM2). Also called: MYOTUBULAR MYOPATHY, AUTOSOMAL RECESSIVE. Identifiers: Orphanet 169186, MedGen CN031787, MONDO:0009709, OMIM 255200.

Allele frequency attached by ClinVar (database versions not stated): gnomAD exomes 0.00752; ExAC 0.00916; gnomAD 0.02861 and 0.03069; TOPMed 0.03290; 1000 Genomes Project 30x 0.03654; 1000 Genomes Project 0.03395; ESP Exome Variant Server 0.03406.
gnomAD v4.1: 8,491 of 1,614,214 alleles (0.53%); highest among the groups gnomAD compares: African/African-American, 9.9%; 355 homozygotes.

Submissions (7):

Labcorp Genetics (formerly Invitae), Labcorp
Classification: Benign for Myopathy, centronuclear, 2. Last evaluated: 2026-02-02. Review status: criteria provided, single submitter. Criteria: Invitae Variant Classification Sherloc (09022015). Collection method: clinical testing. Allele origin: germline.

Mayo Clinic Laboratories, Mayo Clinic
Classification: Benign. Last evaluated: 2018-05-09. Review status: criteria provided, single submitter. Criteria: ACMG Guidelines, 2015. Collection method: clinical testing. Allele origin: germline. Observed: 10 variant alleles.

Illumina Laboratory Services, Illumina
Classification: Likely benign for Myopathy, centronuclear, 2. Last evaluated: 2018-01-13. Review status: criteria provided, single submitter. Criteria: ICSL Variant Classification Criteria 13 December 2019. Collection method: clinical testing. Allele origin: germline.
Comment: This variant was observed in the ICSL laboratory as part of a predisposition screen in an ostensibly healthy population. It had not been previously curated by ICSL or reported in the Human Gene Mutation Database (HGMD: prior to June 1st, 2018), and was therefore a candidate for classification through an automated scoring system. Utilizing variant allele frequency, disease prevalence and penetrance estimates, and inheritance mode, an automated score was calculated to assess if this variant is too frequent to cause the disease. Based on the score and internal cut-off values, a variant classified as likely benign is not then subjected to further curation. The score for this variant resulted in a classification of likely benign for this disease.

GeneDx
Classification: Benign. Last evaluated: 2016-05-19. Review status: criteria provided, single submitter. Criteria: GeneDx Variant Classification (06012015). Collection method: clinical testing. Allele origin: germline. Affected: yes.
Comment: This variant is considered likely benign or benign based on one or more of the following criteria: it is a conservative change, it occurs at a poorly conserved position in the protein, it is predicted to be benign by multiple in silico algorithms, and/or has population frequency not consistent with disease.

Breakthrough Genomics
Classification: Likely benign. Review status: criteria provided, single submitter. Criteria: ACMG Guidelines, 2015. Collection method: not provided. Allele origin: germline. Inheritance: Autosomal recessive inheritance. Affected: yes.

PreventionGenetics, part of Exact Sciences
Classification: Benign. Review status: criteria provided, single submitter. Criteria: ACMG Guidelines, 2015. Collection method: clinical testing. Allele origin: germline.

Genetic Services Laboratory, University of Chicago
Classification: Likely benign. Review status: no assertion criteria provided. Collection method: clinical testing. Allele origin: germline. Inheritance: Autosomal recessive inheritance. Not counted in ClinVar's aggregate classification.
Comment: Likely benign based on allele frequency in 1000 Genomes Project or ESP global frequency and its presence in a patient with a rare or unrelated disease phenotype. NOT Sanger confirmed

NM_139343.3(BIN1):c.1595C>T (p.Thr532Met)

Gene: BIN1 (bridging integrator 1; minus strand). Cytogenetic location: 2q14.3.
Variant type: single nucleotide variant.
Coding change: c.1595C>T on transcript NM_139343.3 (MANE Select); coding-DNA position 1595, C replaced by T.
Protein change: p.Thr532Met; replaces threonine 532 with methionine.
Molecular consequence: missense variant.
Genome position (GRCh38, 1-based): chr2:127,050,500, G>A on the plus strand (C>T on the coding strand, the complement: BIN1 is on the minus strand). VCF-style: chr2-127050500-G-A. GRCh37 (hg19) VCF-style: chr2-127808076-G-A.
Other names: p.Thr532Met; c.1088C>T, p.Thr363Met (NM_001320632.2); c.1226C>T, p.Thr409Met (NM_001320633.2); c.971C>T, p.Thr324Met (NM_001320634.1); c.1355C>T, p.Thr452Met (NM_001320640.2); c.1502C>T, p.Thr501Met (NM_001320641.2); c.1514C>T, p.Thr505Met (NM_001320642.1); c.1178C>T, p.Thr393Met (NM_004305.4); and 8 more; short protein forms T532M, T378M, T414M, T436M, T501M, T363M, T409M, T421M.
Identifiers: ClinVar variation 158010 (VCV000158010.22), dbSNP rs112318500, ClinGen allele CA171391.